The following is an entry in ClinVar:

ClinVar aggregate classification (germline): Uncertain significance. Review status: criteria provided, multiple submitters, no conflicts (2 of 4 stars). 6 submissions from 6 submitters: Uncertain significance (6). Last evaluated 2025-02-12.

Conditions:
Hereditary cancer-predisposing syndrome. Also called: Hereditary Cancer Syndrome; Neoplastic Syndromes, Hereditary; Tumor predisposition; Hereditary neoplastic syndrome. Identifiers: Orphanet 140162, MedGen C0027672, MeSH D009386, MONDO:0015356.
ATM-related cancer predisposition. Also called: ATM-related cancer susceptibility. Identifiers: MedGen CN377759, MONDO:0700270.
Ataxia-telangiectasia syndrome (AT). Also called: Ataxia-telangiectasia, complementation group D; AT, COMPLEMENTATION GROUP C; LOUIS-BAR SYNDROME; Cerebello-oculocutaneous telangiectasia; Immunodeficiency with ataxia telangiectasia; ATAXIA-TELANGIECTASIA, COMPLEMENTATION GROUP A. Identifiers: Orphanet 100, MedGen C0004135, MONDO:0008840, OMIM 208900.

gnomAD v4.1: 4 of 1,614,060 alleles (0.00025%); highest among the groups gnomAD compares: Non-Finnish European, 0.00025%; no homozygotes.

Submissions (6):

Ambry Genetics
Classification: Uncertain significance for Hereditary cancer-predisposing syndrome. Last evaluated: 2025-02-12. Review status: criteria provided, single submitter. Criteria: Ambry Variant Classification Scheme 2023. Collection method: clinical testing. Allele origin: germline.
Comment: The p.T935P variant (also known as c.2803A>C), located in coding exon 17 of the ATM gene, results from an A to C substitution at nucleotide position 2803. The threonine at codon 935 is replaced by proline, an amino acid with highly similar properties. This amino acid position is poorly conserved in available vertebrate species. In addition, this alteration is predicted to be tolerated by in silico analysis. Based on the available evidence, the clinical significance of this variant remains unclear.

Department of Pathology and Laboratory Medicine, Sinai Health System
Classification: Uncertain significance for ATM-related cancer predisposition. Last evaluated: 2024-12-20. Review status: criteria provided, single submitter. Criteria: ACMG Guidelines, 2015. Collection method: clinical testing. Allele origin: germline.

Quest Diagnostics Nichols Institute San Juan Capistrano
Classification: Uncertain significance. Last evaluated: 2024-12-11. Review status: criteria provided, single submitter. Criteria: Quest Diagnostics criteria. Collection method: clinical testing. Allele origin: unknown.

Labcorp Genetics (formerly Invitae), Labcorp
Classification: Uncertain significance for Ataxia-telangiectasia syndrome. Last evaluated: 2024-03-19. Review status: criteria provided, single submitter. Criteria: Invitae Variant Classification Sherloc (09022015). Collection method: clinical testing. Allele origin: germline.
Comment: This sequence change replaces threonine, which is neutral and polar, with proline, which is neutral and non-polar, at codon 935 of the ATM protein (p.Thr935Pro). This variant is present in population databases (no rsID available, gnomAD 0.0009%). This variant has not been reported in the literature in individuals affected with ATM-related conditions. ClinVar contains an entry for this variant (Variation ID: 407508). An algorithm developed to predict the effect of missense changes on protein structure and function (PolyPhen-2) suggests that this variant is likely to be tolerated. In summary, the available evidence is currently insufficient to determine the role of this variant in disease. Therefore, it has been classified as a Variant of Uncertain Significance.

GeneDx
Classification: Uncertain significance. Last evaluated: 2023-06-18. Review status: criteria provided, single submitter. Criteria: GeneDx Variant Classification Process June 2021. Collection method: clinical testing. Allele origin: germline. Affected: yes.
Comment: Not observed at significant frequency in large population cohorts (gnomAD); In silico analysis supports that this missense variant does not alter protein structure/function; Has not been previously published as pathogenic or benign to our knowledge

Color Diagnostics, LLC DBA Color Health
Classification: Uncertain significance for Hereditary cancer-predisposing syndrome. Last evaluated: 2022-03-29. Review status: criteria provided, single submitter. Criteria: ACMG Guidelines, 2015. Collection method: clinical testing. Allele origin: germline.
Comment: This missense variant replaces threonine with proline at codon 935 of the ATM protein. Computational prediction suggests that this variant may not impact protein structure and function (internally defined REVEL score threshold <= 0.5, PMID: 27666373). To our knowledge, functional studies have not been reported for this variant. This variant has not been reported in individuals affected with hereditary cancer in the literature. This variant has been identified in 1/251406 chromosomes in the general population by the Genome Aggregation Database (gnomAD). The available evidence is insufficient to determine the role of this variant in disease conclusively. Therefore, this variant is classified as a Variant of Uncertain Significance.

NM_000051.4(ATM):c.2803A>C (p.Thr935Pro)

Gene: ATM (ATM serine/threonine kinase; plus strand). Cytogenetic location: 11q22.3.
Variant type: single nucleotide variant.
Coding change: c.2803A>C on transcript NM_000051.4 (MANE Select); coding-DNA position 2803, A replaced by C.
Protein change: p.Thr935Pro; replaces threonine 935 with proline.
Molecular consequence: missense variant.
Genome position (GRCh38, 1-based): chr11:108,268,574, A>C. VCF-style: chr11-108268574-A-C. GRCh37 (hg19) VCF-style: chr11-108139301-A-C.
Other names: c.2803A>C, p.Thr935Pro (NM_001351834.2); short protein forms T935P.
Identifiers: ClinVar variation 407508 (VCV000407508.16), dbSNP rs35813135, ClinGen allele CA16613111.
Genomic context (GRCh38, chr11:108,268,574, plus strand): 5'-ACTGTGTCCTTTAGGGCAGCTGATATTCGGAGGAAATTGTTAATGTTAATTGATTCTAGC[A>C]CGCTAGAACCTACCAAATCCCTCCACCTGCATATGGTGAGTTACGTTAAATGAAGAAGCT-3'
Protein context (NP_000042.3, residues 925-945): RKLLMLIDSS[Thr935Pro]LEPTKSLHLH